The following is an entry in ClinVar:

NM_001126108.2(SLC12A3):c.2710C>T (p.Arg904Trp)

Gene: SLC12A3 (solute carrier family 12 member 3; plus strand). Cytogenetic location: 16q13.
Variant type: single nucleotide variant.
Coding change: c.2710C>T on transcript NM_001126108.2 (MANE Select); coding-DNA position 2710, C replaced by T.
Protein change: p.Arg904Trp; replaces arginine 904 with tryptophan.
Molecular consequence: missense variant.
Genome position (GRCh38, 1-based): chr16:56,899,606, C>T. VCF-style: chr16-56899606-C-T. GRCh37 (hg19) VCF-style: chr16-56933518-C-T.
Other names: p.Arg913Trp; c.2737C>T (NM_000339.2); c.2737C>T, p.Arg913Trp (NM_000339.3); c.2734C>T, p.Arg912Trp (NM_001126107.2); c.2707C>T, p.Arg903Trp (NM_001410896.1); short protein forms R912W, R903W, R904W, R913W.
Identifiers: ClinVar variation 2153703 (VCV002153703.6), dbSNP rs371739823, ClinGen allele CA8070021.

ClinVar aggregate classification (germline): Uncertain significance. Review status: criteria provided, multiple submitters, no conflicts (2 of 4 stars). 4 submissions from 4 submitters: Uncertain significance (4). Last evaluated 2025-08-18.

Conditions:
Familial hypokalemia-hypomagnesemia (GTLMNS). Also called: HYPOMAGNESEMIA-HYPOKALEMIA, PRIMARY RENOTUBULAR, WITH HYPOCALCIURIA; POTASSIUM AND MAGNESIUM DEPLETION; gitelman syndrome. Identifiers: Orphanet 358, MedGen C0268450, MONDO:0009904, OMIM 263800.
Inborn genetic diseases. Identifiers: MedGen C0950123, MeSH D030342.

Allele frequency attached by ClinVar (database versions not stated): ExAC 0.00005; ESP Exome Variant Server 0.00015; gnomAD 0.00006.
gnomAD v4.1: 88 of 1,613,598 alleles (0.0055%); highest among the groups gnomAD compares: African/African-American, 0.016%; no homozygotes.

Submissions (4):

Labcorp Genetics (formerly Invitae), Labcorp
Classification: Uncertain significance. Last evaluated: 2025-08-18. Review status: criteria provided, single submitter. Criteria: Invitae Variant Classification Sherloc (09022015). Collection method: clinical testing. Allele origin: germline.
Comment: This sequence change replaces arginine, which is basic and polar, with tryptophan, which is neutral and slightly polar, at codon 913 of the SLC12A3 protein (p.Arg913Trp). This variant is present in population databases (rs371739823, gnomAD 0.02%). This variant has not been reported in the literature in individuals affected with SLC12A3-related conditions. ClinVar contains an entry for this variant (Variation ID: 2153703). Invitae Evidence Modeling of protein sequence and biophysical properties (such as structural, functional, and spatial information, amino acid conservation, physicochemical variation, residue mobility, and thermodynamic stability) has been performed for this missense variant. However, the output from this modeling did not meet the statistical confidence thresholds required to predict the impact of this variant on SLC12A3 protein function. In summary, the available evidence is currently insufficient to determine the role of this variant in disease. Therefore, it has been classified as a Variant of Uncertain Significance.

Ambry Genetics
Classification: Uncertain significance for Inborn genetic diseases. Last evaluated: 2025-01-08. Review status: criteria provided, single submitter. Criteria: Ambry Variant Classification Scheme 2023. Collection method: clinical testing. Allele origin: germline.

Fulgent Genetics
Classification: Uncertain significance for Familial hypokalemia-hypomagnesemia. Last evaluated: 2024-02-21. Review status: criteria provided, single submitter. Criteria: ACMG Guidelines, 2015. Collection method: clinical testing. Allele origin: germline.

Mayo Clinic Laboratories, Mayo Clinic
Classification: Uncertain significance. Last evaluated: 2024-01-09. Review status: criteria provided, single submitter. Criteria: ACMG Guidelines, 2015. Collection method: clinical testing. Allele origin: germline. Observed: 1 variant allele.
Comment: BP4